The following is an entry in ClinVar:

ClinVar aggregate classification (germline): Uncertain significance. Review status: criteria provided, multiple submitters, no conflicts (2 of 4 stars). 2 submissions from 2 submitters: Uncertain significance (2). Last evaluated 2022-08-07.

Allele frequency attached by ClinVar (database versions not stated): TOPMed below 0.00001; gnomAD 0.00001.
gnomAD v4.1: 12 of 1,613,904 alleles (0.00074%); highest among the groups gnomAD compares: Non-Finnish European, 0.00085%; no homozygotes.

Submissions (2):

Labcorp Genetics (formerly Invitae), Labcorp
Classification: Uncertain significance. Last evaluated: 2022-08-07. Review status: criteria provided, single submitter. Criteria: Invitae Variant Classification Sherloc (09022015). Collection method: clinical testing. Allele origin: germline.
Comment: In summary, the available evidence is currently insufficient to determine the role of this variant in disease. Therefore, it has been classified as a Variant of Uncertain Significance. Advanced modeling of protein sequence and biophysical properties (such as structural, functional, and spatial information, amino acid conservation, physicochemical variation, residue mobility, and thermodynamic stability) performed at Invitae indicates that this missense variant is expected to disrupt INSR protein function. ClinVar contains an entry for this variant (Variation ID: 1336219). This variant has not been reported in the literature in individuals affected with INSR-related conditions. This variant is present in population databases (no rsID available, gnomAD 0.002%). This sequence change replaces arginine, which is basic and polar, with tryptophan, which is neutral and slightly polar, at codon 1068 of the INSR protein (p.Arg1068Trp).

Genetic Services Laboratory, University of Chicago
Classification: Uncertain significance. Last evaluated: 2020-08-17. Review status: criteria provided, single submitter. Criteria: ACMG Guidelines, 2015. Collection method: clinical testing. Allele origin: germline. Affected: no.
Comment: DNA sequence analysis of the INSR gene demonstrated a sequence change, c.3202C>T, in exon 17 that results in an amino acid change, p.Arg1068Trp. This sequence change does not appear to have been previously described in patients with INSR-related disorders and has been described in the gnomAD database with a low population frequency of 0.0014% (dbSNP rs762687424). The p.Arg1068Trp change affects a highly conserved amino acid residue located in a domain of the INSR protein that is known to be functional. The p.Arg1068Trp substitution appears to be deleterious using several in-silico pathogenicity prediction tools (SIFT, PolyPhen2, Align GVGD, REVEL). Due to these contrasting evidences and the lack of functional studies, the clinical significance of the p.Arg1068Trp change remains unknown at this time.

NM_000208.4(INSR):c.3202C>T (p.Arg1068Trp)

Gene: INSR (insulin receptor; minus strand). Cytogenetic location: 19p13.2.
Variant type: single nucleotide variant.
Coding change: c.3202C>T on transcript NM_000208.4 (MANE Select); coding-DNA position 3202, C replaced by T.
Protein change: p.Arg1068Trp; replaces arginine 1068 with tryptophan.
Molecular consequence: missense variant.
Genome position (GRCh38, 1-based): chr19:7,125,339, G>A on the plus strand (C>T on the coding strand, the complement: INSR is on the minus strand). VCF-style: chr19-7125339-G-A. GRCh37 (hg19) VCF-style: chr19-7125350-G-A.
Other names: c.3166C>T, p.Arg1056Trp (NM_001079817.3); short protein forms R1056W, R1068W.
Identifiers: ClinVar variation 1336219 (VCV001336219.8), dbSNP rs762687424, ClinGen allele CA403671091.